The following is an entry in ClinVar:

ClinVar aggregate classification (germline): Conflicting classifications of pathogenicity. Review status: criteria provided, conflicting classifications (1 of 4 stars). 8 submissions from 8 submitters: Uncertain significance (4); Benign (1); Likely benign (2). 1 of the submissions does not count toward it. Last evaluated 2026-01-27.

Conditions:
Epidermolysis bullosa simplex, Ogna type (EBS5A). Also called: Pidermolysis bullosa simplex 5A, Ogna type; EPIDERMOLYSIS BULLOSA SIMPLEX 5A, OGNA TYPE. Identifiers: Orphanet 79401, MedGen C0432317, MONDO:0007555, OMIM 131950.
Epidermolysis bullosa simplex with nail dystrophy (EBS5D). Identifiers: MedGen C4225309, MONDO:0014661, OMIM 616487.
Autosomal recessive limb-girdle muscular dystrophy type 2Q (LGMDR17). Also called: MUSCULAR DYSTROPHY, LIMB-GIRDLE, AUTOSOMAL RECESSIVE 17. Identifiers: Orphanet 254361, MedGen C3150989, MONDO:0013390, OMIM 613723.
Epidermolysis bullosa simplex 5C, with pyloric atresia (EBS5C). Also called: Epidermolysis bullosa simplex with pyloric atresia; PLEC1-Related Epidermolysis Bullosa with Pyloric Atresia; PLEC-Related Epidermolysis Bullosa with Pyloric Atresia. Identifiers: Orphanet 158684, MedGen C2677349, MONDO:0012807, OMIM 612138.
Epidermolysis bullosa simplex 5B, with muscular dystrophy (EBS5B). Also called: Epidermolysis bullosa simplex with muscular dystrophy; EPIDERMOLYSIS BULLOSA SIMPLEX AND LIMB-GIRDLE MUSCULAR DYSTROPHY. Identifiers: Orphanet 257, MedGen C2931072, MONDO:0009181, OMIM 226670.
PLEC-related disorder. Also called: PLEC-related disorders; PLEC-related condition.

Allele frequency attached by ClinVar (database versions not stated): 1000 Genomes Project 30x 0.00016; gnomAD exomes 0.00061 and 0.00064; gnomAD 0.00072 and 0.00073; ExAC 0.00083; TOPMed 0.00088.
gnomAD v4.1: 1,039 of 1,579,770 alleles (0.066%); highest among the groups gnomAD compares: Admixed American, 0.18%; 4 homozygotes.

Submissions (8):

Labcorp Genetics (formerly Invitae), Labcorp
Classification: Uncertain significance for Autosomal recessive limb-girdle muscular dystrophy type 2Q; Epidermolysis bullosa simplex, Ogna type; Epidermolysis bullosa simplex with nail dystrophy; Epidermolysis bullosa simplex 5C, with pyloric atresia; Epidermolysis bullosa simplex 5B, with muscular dystrophy. Last evaluated: 2026-01-27. Review status: criteria provided, single submitter. Criteria: Invitae Variant Classification Sherloc (09022015). Collection method: clinical testing. Allele origin: germline.
Comment: This sequence change replaces glutamic acid, which is acidic and polar, with lysine, which is basic and polar, at codon 1478 of the PLEC protein (p.Glu1478Lys). This variant is present in population databases (no rsID available, gnomAD 0.1%), including at least one homozygous and/or hemizygous individual. This missense change has been observed in individual(s) with clinical features of limb-girdle muscular dystrophy (internal data). ClinVar contains an entry for this variant (Variation ID: 282780). Experimental studies and prediction algorithms are not available or were not evaluated, and the functional significance of this variant is currently unknown. In summary, the available evidence is currently insufficient to determine the role of this variant in disease. Therefore, it has been classified as a Variant of Uncertain Significance.

CeGaT Center for Human Genetics Tuebingen
Classification: Likely benign. Last evaluated: 2025-08-01. Review status: criteria provided, single submitter. Criteria: CeGaT Center For Human Genetics Tuebingen Variant Classification Criteria Version 2. Collection method: clinical testing. Allele origin: germline. Affected: yes. Observed: 4 variant alleles.
Comment: PLEC: BS2

Mayo Clinic Laboratories, Mayo Clinic
Classification: Benign. Last evaluated: 2025-06-25. Review status: criteria provided, single submitter. Criteria: ACMG Guidelines, 2015. Collection method: clinical testing. Allele origin: germline. Observed: 1 variant allele.
Comment: BS1, BS2, BP4

Revvity Omics, Revvity
Classification: Uncertain significance. Last evaluated: 2025-02-20. Review status: criteria provided, single submitter. Criteria: ACMG Guidelines, 2015. Collection method: clinical testing. Allele origin: germline.

MGZ Medical Genetics Center
Classification: Uncertain significance for Autosomal recessive limb-girdle muscular dystrophy type 2Q. Last evaluated: 2022-03-14. Review status: criteria provided, single submitter. Criteria: ACMG Guidelines, 2015. Collection method: clinical testing. Allele origin: germline. Affected: yes. Observed: 1 variant allele.
Comment: ACMG criteria applied: PM2_SUP

GeneDx
Classification: Likely benign. Last evaluated: 2020-03-27. Review status: criteria provided, single submitter. Criteria: GeneDx Variant Classification Process June 2021. Collection method: clinical testing. Allele origin: germline. Affected: yes.

Eurofins Ntd Llc (ga)
Classification: Uncertain significance. Last evaluated: 2017-02-28. Review status: criteria provided, single submitter. Criteria: EGL Classification Definitions 2015. Collection method: clinical testing. Allele origin: germline. Observed: 10 variant alleles, 10 heterozygotes.

PreventionGenetics, part of Exact Sciences
Classification: Uncertain significance for PLEC-related condition. Last evaluated: 2024-07-22. Review status: no assertion criteria provided. Collection method: clinical testing. Allele origin: germline. Not counted in ClinVar's aggregate classification.
Comment: The PLEC c.4432G>A variant is predicted to result in the amino acid substitution p.Glu1478Lys. To our knowledge, this variant has not been reported in the literature. This variant is reported in 0.11% of alleles in individuals of Latino descent in gnomAD, which is likely too common for an undocumented disease-causing variant. Although we suspect that this variant may be benign, at this time, the clinical significance of this variant is uncertain due to the absence of conclusive functional and genetic evidence.

NM_201384.3(PLEC):c.4351G>A (p.Glu1451Lys)

Gene: PLEC (plectin; minus strand). Cytogenetic location: 8q24.3.
Variant type: single nucleotide variant.
Coding change: c.4351G>A on transcript NM_201384.3 (MANE Select); coding-DNA position 4351, G replaced by A.
Protein change: p.Glu1451Lys; replaces glutamic acid 1451 with lysine.
Molecular consequence: missense variant.
Genome position (GRCh38, 1-based): chr8:143,925,578, C>T on the plus strand (G>A on the coding strand, the complement: PLEC is on the minus strand). VCF-style: chr8-143925578-C-T. GRCh37 (hg19) VCF-style: chr8-144999746-C-T.
Other names: p.Glu1478Lys; c.4432G>A, p.Glu1478Lys (NM_000445.5); c.4309G>A, p.Glu1437Lys (NM_201378.4); c.4285G>A, p.Glu1429Lys (NM_201379.3); c.4762G>A, p.Glu1588Lys (NM_201380.4); c.4255G>A, p.Glu1419Lys (NM_201381.3); c.4351G>A, p.Glu1451Lys (NM_201382.4); c.4363G>A, p.Glu1455Lys (NM_201383.3); short protein forms E1419K, E1455K, E1478K, E1588K, E1429K, E1451K, E1437K.
Identifiers: ClinVar variation 282780 (VCV000282780.90), dbSNP rs868906137, ClinGen allele CA4926691.